The following is an entry in ClinVar:

NM_001376.5(DYNC1H1):c.2374T>G (p.Cys792Gly)

Gene: DYNC1H1 (dynein cytoplasmic 1 heavy chain 1; plus strand). Cytogenetic location: 14q32.31.
Variant type: single nucleotide variant.
Coding change: c.2374T>G on transcript NM_001376.5 (MANE Select); coding-DNA position 2374, T replaced by G.
Protein change: p.Cys792Gly; replaces cysteine 792 with glycine.
Molecular consequence: missense variant.
Genome position (GRCh38, 1-based): chr14:101,986,599, T>G. VCF-style: chr14-101986599-T-G. GRCh37 (hg19) VCF-style: chr14-102452936-T-G.
Other names: short protein forms C792G.
Identifiers: ClinVar variation 858376 (VCV000858376.9), dbSNP rs752495590, ClinGen allele CA7351806.

ClinVar aggregate classification (germline): Conflicting classifications of pathogenicity. Review status: criteria provided, conflicting classifications (1 of 4 stars). 2 submissions from 2 submitters: Uncertain significance (1); Likely benign (1). Last evaluated 2024-02-16.

Conditions:
Charcot-Marie-Tooth disease axonal type 2O. Also called: CHARCOT-MARIE-TOOTH DISEASE, AXONAL, AUTOSOMAL DOMINANT, TYPE 2O; CHARCOT-MARIE-TOOTH NEUROPATHY, AXONAL, TYPE 2O; Charcot-Marie-Tooth Neuropathy Type 2O; Charcot-Marie-Tooth disease, axonal, type 20. Identifiers: Orphanet 284232, MedGen C3280220, MONDO:0013644, OMIM 614228.
Inborn genetic diseases. Identifiers: MedGen C0950123, MeSH D030342.

Allele frequency attached by ClinVar (database versions not stated): gnomAD exomes below 0.00001 and 0.00002; TOPMed 0.00001; ExAC 0.00002.
gnomAD v4.1: 5 of 1,613,344 alleles (0.00031%); highest among the groups gnomAD compares: Non-Finnish European, 0.00042%; 1 homozygote.

Submissions (2):

Labcorp Genetics (formerly Invitae), Labcorp
Classification: Likely benign for Charcot-Marie-Tooth disease axonal type 2O. Last evaluated: 2024-02-16. Review status: criteria provided, single submitter. Criteria: Invitae Variant Classification Sherloc (09022015). Collection method: clinical testing. Allele origin: germline.

Ambry Genetics
Classification: Uncertain significance for Inborn genetic diseases. Last evaluated: 2020-02-03. Review status: criteria provided, single submitter. Criteria: Ambry Variant Classification Scheme 2023. Collection method: clinical testing. Allele origin: germline.
Comment: The p.C792G variant (also known as c.2374T>G), located in coding exon 8 of the DYNC1H1 gene, results from a T to G substitution at nucleotide position 2374. The cysteine at codon 792 is replaced by glycine, an amino acid with highly dissimilar properties. This amino acid position is highly conserved in available vertebrate species. In addition, this alteration is predicted to be deleterious by in silico analysis. Since supporting evidence is limited at this time, the clinical significance of this alteration remains unclear.